The following is an entry in ClinVar:

NM_000260.4(MYO7A):c.1771C>T (p.Gln591Ter)

Gene: MYO7A (myosin VIIA; plus strand). Cytogenetic location: 11q13.5.
Variant type: single nucleotide variant.
Coding change: c.1771C>T on transcript NM_000260.4 (MANE Select); coding-DNA position 1771, C replaced by T.
Protein change: p.Gln591Ter; replaces glutamine 591 with a stop codon.
Molecular consequence: nonsense.
Genome position (GRCh38, 1-based): chr11:77,166,136, C>T. VCF-style: chr11-77166136-C-T. GRCh37 (hg19) VCF-style: chr11-76877182-C-T.
Other names: c.1771C>T, p.Gln591Ter (NM_001127180.2); c.1738C>T, p.Gln580Ter (NM_001369365.1); short protein forms Q580*, Q591*.
Identifiers: ClinVar variation 957369 (VCV000957369.9), dbSNP rs1953519454, ClinGen allele CA381937176.

ClinVar aggregate classification (germline): Pathogenic/Likely pathogenic. Review status: criteria provided, multiple submitters, no conflicts (2 of 4 stars). 3 submissions from 3 submitters: Pathogenic (1); Likely pathogenic (1). 1 of the submissions does not count toward it. Last evaluated 2022-10-17.

Conditions:
MYO7A-related disorder. Also called: MYO7A-related disorders.
Retinal dystrophy. Also called: Inherited retinal dystrophy. Identifiers: Orphanet 71862, MedGen C0854723, MeSH D058499, MONDO:0019118, HP:0000556.

Allele frequency attached by ClinVar (database versions not stated): gnomAD exomes below 0.00001.
gnomAD v4.1: 1 of 1,613,934 alleles (0.000062%); highest among the groups gnomAD compares: Non-Finnish European, 0.000085%; no homozygotes.

Submissions (3):

Labcorp Genetics (formerly Invitae), Labcorp
Classification: Pathogenic. Last evaluated: 2022-10-17. Review status: criteria provided, single submitter. Criteria: Invitae Variant Classification Sherloc (09022015). Collection method: clinical testing. Allele origin: germline.
Comment: This sequence change creates a premature translational stop signal (p.Gln591*) in the MYO7A gene. It is expected to result in an absent or disrupted protein product. Loss-of-function variants in MYO7A are known to be pathogenic (PMID: 8900236, 25404053). This variant is not present in population databases (gnomAD no frequency). This variant has not been reported in the literature in individuals affected with MYO7A-related conditions. ClinVar contains an entry for this variant (Variation ID: 957369). For these reasons, this variant has been classified as Pathogenic.

Blueprint Genetics
Classification: Likely pathogenic for MYO7A-related disorders. Last evaluated: 2020-10-28. Review status: criteria provided, single submitter. Criteria: ACMG Guidelines, 2015. Collection method: clinical testing. Allele origin: germline. Affected: yes. Observed: 1 variant allele.

Institute of Human Genetics, Univ. Regensburg, Univ. Regensburg
Classification: Pathogenic for Retinal dystrophy. Last evaluated: 2021-01-01. Review status: no assertion criteria provided. Criteria: ACMG Guidelines, 2015. Collection method: clinical testing. Allele origin: germline. Affected: yes. Not counted in ClinVar's aggregate classification.

Literature cited by the submitters: PubMed 8900236 (cited by Labcorp Genetics (formerly Invitae), Labcorp); PubMed 25404053 (cited by Labcorp Genetics (formerly Invitae), Labcorp).